The following is an entry in ClinVar:

NM_001130009.3(GEN1):c.1407A>C (p.Lys469Asn)

Gene: GEN1 (GEN1 Holliday junction 5' flap endonuclease; plus strand). Cytogenetic location: 2p24.2.
Variant type: single nucleotide variant.
Coding change: c.1407A>C on transcript NM_001130009.3 (MANE Select); coding-DNA position 1407, A replaced by C.
Protein change: p.Lys469Asn; replaces lysine 469 with asparagine.
Molecular consequence: missense variant.
Genome position (GRCh38, 1-based): chr2:17,780,120, A>C. VCF-style: chr2-17780120-A-C. GRCh37 (hg19) VCF-style: chr2-17961387-A-C.
Other names: c.1407A>C, p.Lys469Asn (NM_182625.5); short protein forms K469N.
Identifiers: ClinVar variation 3519745 (VCV003519745.1).
Genomic context (GRCh38, chr2:17,780,120, plus strand): 5'-TCCTGAGATCGTTGCTGTTTACCAAAAACAAAAGTTAGAAATTAAAGGGAAGAAACAAAA[A>C]CGTAAGTTTTGGGTTTGATAGCTATTTATGCCACATGCAAATGTTATAGAAGAGCCACCT-3'
Protein context (NP_001123481.3, residues 459-479): QKLEIKGKKQ[Lys469Asn]RIKPKENNLP

ClinVar aggregate classification (germline): Uncertain significance (1 of 4 stars; one submission).

Submission:

Ambry Genetics
Classification: Uncertain significance. Last evaluated: 2024-11-25. Review status: criteria provided, single submitter. Criteria: Ambry Variant Classification Scheme 2023. Collection method: clinical testing. Allele origin: germline.
Comment: The p.K469N variant (also known as c.1407A>C), located in coding exon 12 of the GEN1 gene, results from an A to C substitution at nucleotide position 1407. The lysine at codon 469 is replaced by asparagine, an amino acid with similar properties. This amino acid position is conserved. In addition, this alteration is predicted to be tolerated by in silico analysis. Based on the available evidence, the clinical significance of this variant remains unclear.